The following is an entry in ClinVar:

NM_003661.4(APOL1):c.-19-171G>T

Gene: APOL1 (apolipoprotein L1; plus strand). Cytogenetic location: 22q12.3.
Variant type: single nucleotide variant.
Coding change: c.-19-171G>T on transcript NM_003661.4 (MANE Select); 171 bases into the intron before 19 bases upstream of the start codon, G replaced by T.
Molecular consequence: intron variant.
Genome position (GRCh38, 1-based): chr22:36,254,766, G>T. VCF-style: chr22-36254766-G-T. GRCh37 (hg19) VCF-style: chr22-36650812-G-T.
Other names: c.30-171G>T (NM_145343.3); c.-58-132G>T (NM_001136540.2, NM_001362927.2); c.-19-171G>T (NM_001136541.2).
Identifiers: ClinVar variation 1706719 (VCV001706719.2), dbSNP rs192737055, ClinGen allele CA323599545.
Genomic context (GRCh38, chr22:36,254,766, plus strand): 5'-CAAAAAAATTAGCCGGGTGTCGTGGCGGGCACCTGTAGTCCCAGCTACTCGGGAGGCTGA[G>T]GCAGGAGAATGGCGTGAACCCGGGAGGCAGAGCTTGTAGCGAGCCTAGATCGCCCCACTG-3'

ClinVar aggregate classification (germline): Likely benign (1 of 4 stars; one submission).

Allele frequency attached by ClinVar (database versions not stated): 1000 Genomes Project 0.00499; TOPMed 0.00546; 1000 Genomes Project 30x 0.00578; gnomAD 0.00638.
gnomAD v4.1: 6,240 of 723,788 alleles (0.86%); highest among the groups gnomAD compares: South Asian, 1.9%; 49 homozygotes.

Submission:

GeneDx
Classification: Likely benign. Last evaluated: 2021-05-10. Review status: criteria provided, single submitter. Criteria: GeneDx Variant Classification Process June 2021. Collection method: clinical testing. Allele origin: germline. Affected: yes.
Comment: See Variant Classification Assertion Criteria.